The following is an entry in ClinVar:

ClinVar aggregate classification (germline): Uncertain significance (1 of 4 stars; one submission).

Conditions:
Inborn genetic diseases. Identifiers: MedGen C0950123, MeSH D030342.

Submission:

Ambry Genetics
Classification: Uncertain significance for Inborn genetic diseases. Last evaluated: 2025-02-04. Review status: criteria provided, single submitter. Criteria: Ambry Variant Classification Scheme 2023. Collection method: clinical testing. Allele origin: germline.
Comment: The p.V1072F variant (also known as c.3214G>T), located in coding exon 13 of the ASXL1 gene, results from a G to T substitution at nucleotide position 3214. The valine at codon 1072 is replaced by phenylalanine, an amino acid with highly similar properties. This amino acid position is conserved. In addition, this alteration is predicted to be tolerated by in silico analysis. Based on the available evidence, the clinical significance of this variant remains unclear.

NM_015338.6(ASXL1):c.3214G>T (p.Val1072Phe)

Gene: ASXL1 (ASXL transcriptional regulator 1; plus strand). Cytogenetic location: 20q11.21.
Variant type: single nucleotide variant.
Coding change: c.3214G>T on transcript NM_015338.6 (MANE Select); coding-DNA position 3214, G replaced by T.
Protein change: p.Val1072Phe; replaces valine 1072 with phenylalanine.
Molecular consequence: missense variant.
Genome position (GRCh38, 1-based): chr20:32,435,926, G>T. VCF-style: chr20-32435926-G-T. GRCh37 (hg19) VCF-style: chr20-31023729-G-T.
Other names: c.3031G>T, p.Val1011Phe (NM_001363734.1); short protein forms V1011F, V1072F.
Identifiers: ClinVar variation 3793202 (VCV003793202.1).